The following is an entry in ClinVar:

ClinVar aggregate classification (germline): Pathogenic. Review status: criteria provided, multiple submitters, no conflicts (2 of 4 stars). 4 submissions from 4 submitters: Pathogenic (4). Last evaluated 2026-03-27.

Conditions:
HOXD13-related disorder. Also called: HOXD13-related condition; HOXD13-related disorders.
Syndactyly type 5. Also called: Syndactyly with associated metacarpal and metatarsal fusion; Syndactyly, type V; SYNDACTYLY WITH METACARPAL AND METATARSAL FUSION. Identifiers: Orphanet 93406, MedGen C1861348, MONDO:0008516, OMIM 186300.

Submissions (4):

Center for Human Genetics and Genomic Medicine, Uniklinik Rwth Aachen
Classification: Pathogenic for Syndactyly type 5. Last evaluated: 2026-03-27. Review status: criteria provided, single submitter. Criteria: ACMG Guidelines, 2015. Collection method: clinical testing. Allele origin: paternal. Affected: yes.

GeneDx
Classification: Pathogenic. Last evaluated: 2025-12-17. Review status: criteria provided, single submitter. Criteria: GeneDx Variant Classification Process June 2021. Collection method: clinical testing. Allele origin: germline. Affected: yes.
Comment: Published functional studies demonstrate that poly-alanine repeat expansions in HOXA13 result in protein misfolding, degradation, and cytoplasmic aggregation (PMID: 15333588); Not observed at significant frequency in large population cohorts (gnomAD); In-frame duplication of 7 amino acid(s) in a non-repeat region; This variant is associated with the following publications: (PMID: 34094714, 15333588, 24038517)

Labcorp Genetics (formerly Invitae), Labcorp
Classification: Pathogenic. Last evaluated: 2024-10-10. Review status: criteria provided, single submitter. Criteria: Invitae Variant Classification Sherloc (09022015). Collection method: clinical testing. Allele origin: germline.
Comment: This variant, c.183_203dup, results in the insertion of 7 amino acid(s) of the HOXD13 protein (p.Ala65_Ala71dup), but otherwise preserves the integrity of the reading frame. This variant is not present in population databases (gnomAD no frequency). This variant has been observed in individuals with HOXD13-related conditions (PMID: 19686284, 24343878). It has also been observed to segregate with disease in related individuals. ClinVar contains an entry for this variant (Variation ID: 1919465). Algorithms developed to predict the effect of variants on gene product structure and function are not available or were not evaluated for this variant. Experimental studies have shown that this variant affects HOXD13 function (PMID: 32386547). For these reasons, this variant has been classified as Pathogenic.

Women's Health and Genetics/Laboratory Corporation of America, LabCorp
Classification: Pathogenic for HOXD13-Related Disorders. Last evaluated: 2023-11-28. Review status: criteria provided, single submitter. Criteria: LabCorp Variant Classification Summary - May 2015. Collection method: clinical testing. Allele origin: germline.
Comment: Variant summary: HOXD13 c.183_203dup21 (p.Ala65_Ala71dup), also annotated as c.172_192dup21 (p.Ala58_Ala64dup), results in an in-frame duplication that is predicted to expand a polyalanine repeat region by 7 amino acids in the encoded protein. The variant was absent in 21698 control chromosomes (gnomAD). c.183_203dup21 has been reported in the literature in multiple individuals affected with limb malformations including polydactyly, syndactyly, or clinodactyly (Sun_2021, Chen_2023), and was found to cosegregate with disease. These data indicate that the variant is very likely to be associated with disease. A mouse model with the same length of alanine expansion due to a 21-bp duplication shows digital malformations (Bruneau_2001). An analysis of alanine expansions of different lengths found that the +7A expansion alters the composition and properties of HOXD13-containing condensates in vivo and in vitro (Basu_2020), suggesting that altered phase separation may disrupt the transcription factor's ability to co-condense with transcriptional coactivators. The following publications have been ascertained in the context of this evaluation (PMID: 34094714, 37035736, 32386547, 11543619). One submitter has cited a clinical-significance assessment for this variant to ClinVar after 2014 and has classified the variant as pathogenic. Based on the evidence outlined above, the variant was classified as pathogenic.

Literature cited by the submitters: PubMed 19686284 (cited by Labcorp Genetics (formerly Invitae), Labcorp); PubMed 24343878 (cited by Labcorp Genetics (formerly Invitae), Labcorp); PubMed 32386547 (cited by Labcorp Genetics (formerly Invitae), Labcorp and Women's Health and Genetics/Laboratory Corporation of America, LabCorp); PubMed 11543619 (cited by Women's Health and Genetics/Laboratory Corporation of America, LabCorp); PubMed 37035736 (cited by Women's Health and Genetics/Laboratory Corporation of America, LabCorp); PubMed 34094714 (cited by Women's Health and Genetics/Laboratory Corporation of America, LabCorp).

NM_000523.4(HOXD13):c.183_203dup (p.Ala71_Ser72insAlaAlaAlaAlaAlaAlaAla)

Gene: HOXD13 (homeobox D13; plus strand). Cytogenetic location: 2q31.1.
Variant type: Duplication.
Coding change: c.183_203dup on transcript NM_000523.4 (MANE Select); coding-DNA positions 183 to 203, 21 bases duplicated (AGCGGCGGCTGCGGCGGCGGC).
Protein change: p.Ala71_Ser72insAlaAlaAlaAlaAlaAlaAla.
Molecular consequence: inframe insertion.
Genome position (GRCh38, 1-based): chr2:176,093,073-176,093,093, AGCGGCGGCTGCGGCGGCGGC duplicated; duplicating any 21 consecutive bases within chr2:176,093,062-176,093,093 gives the same sequence; the c. name uses the placement nearest the transcript's 3' end. VCF-style (leftmost placement, unchanged base first): chr2-176093061-G-GGCGGCGGCGGCAGCGGCGGCT. GRCh37 (hg19) VCF-style: chr2-176957789-G-GGCGGCGGCGGCAGCGGCGGCT.
Other names: c.183_203dup (NM_000523.3); c.183_203dup21 (NM_000523.4).
Identifiers: ClinVar variation 1919465 (VCV001919465.9), dbSNP rs878854346, ClinGen allele CA916716719.